The following is an entry in ClinVar:

NM_213649.2(SFXN4):c.746C>T (p.Thr249Met)

Gene: SFXN4 (sideroflexin 4; minus strand). Cytogenetic location: 10q26.11.
Variant type: single nucleotide variant.
Coding change: c.746C>T on transcript NM_213649.2 (MANE Select); coding-DNA position 746, C replaced by T.
Protein change: p.Thr249Met; replaces threonine 249 with methionine.
Molecular consequence: missense variant. On other transcripts: non-coding transcript variant (1).
Genome position (GRCh38, 1-based): chr10:119,147,847, G>A on the plus strand (C>T on the coding strand, the complement: SFXN4 is on the minus strand). VCF-style: chr10-119147847-G-A. GRCh37 (hg19) VCF-style: chr10-120907359-G-A.
Other names: c.746C>T, p.Thr249Met (NM_213650.1); short protein forms T249M.
Identifiers: ClinVar variation 2488483 (VCV002488483.4), dbSNP rs747282264, ClinGen allele CA5714401.

ClinVar aggregate classification (germline): Uncertain significance. Review status: criteria provided, multiple submitters, no conflicts (2 of 4 stars). 2 submissions from 2 submitters: Uncertain significance (2). Last evaluated 2025-04-06.

Conditions:
Inborn genetic diseases. Identifiers: MedGen C0950123, MeSH D030342.

Allele frequency attached by ClinVar (database versions not stated): ExAC 0.00001; gnomAD 0.00001; gnomAD exomes 0.00001; TOPMed 0.00002.
gnomAD v4.1: 18 of 1,613,832 alleles (0.0011%); highest among the groups gnomAD compares: Admixed American, 0.005%; no homozygotes.

Submissions (2):

Ambry Genetics
Classification: Uncertain significance for Inborn genetic diseases. Last evaluated: 2025-04-06. Review status: criteria provided, single submitter. Criteria: Ambry Variant Classification Scheme 2023. Collection method: clinical testing. Allele origin: germline.

GeneDx
Classification: Uncertain significance. Last evaluated: 2023-03-25. Review status: criteria provided, single submitter. Criteria: GeneDx Variant Classification Process June 2021. Collection method: clinical testing. Allele origin: germline. Affected: yes.
Comment: Not observed at significant frequency in large population cohorts (gnomAD); In silico analysis supports that this missense variant has a deleterious effect on protein structure/function; Has not been previously published as pathogenic or benign to our knowledge